The following is an entry in ClinVar:

ClinVar aggregate classification (germline): Uncertain significance (1 of 4 stars; one submission).

Conditions:
Joubert syndrome. Also called: Familial aplasia of the vermis; JOUBERT-BOLTSHAUSER SYNDROME. Identifiers: Orphanet 475, MedGen C5979921, MONDO:0018772.
Meckel-Gruber syndrome. Also called: Dysencephalia splachnocystica; DYSENCEPHALIA SPLANCHNOCYSTICA; GRUBER SYNDROME. Identifiers: Orphanet 564, MedGen C0265215, MONDO:0018921.

Allele frequency attached by ClinVar (database versions not stated): TOPMed 0.00002; gnomAD 0.00003; gnomAD exomes 0.00004.

Submission:

Labcorp Genetics (formerly Invitae), Labcorp
Classification: Uncertain significance for Joubert syndrome; Meckel-Gruber syndrome. Last evaluated: 2025-06-20. Review status: criteria provided, single submitter. Criteria: Invitae Variant Classification Sherloc (09022015). Collection method: clinical testing. Allele origin: germline.
Comment: This sequence change replaces threonine, which is neutral and polar, with isoleucine, which is neutral and non-polar, at codon 416 of the CC2D2A protein (p.Thr416Ile). This variant is present in population databases (no rsID available, gnomAD 0.002%). This variant has not been reported in the literature in individuals affected with CC2D2A-related conditions. ClinVar contains an entry for this variant (Variation ID: 1987708). Invitae Evidence Modeling of protein sequence and biophysical properties (such as structural, functional, and spatial information, amino acid conservation, physicochemical variation, residue mobility, and thermodynamic stability) indicates that this missense variant is not expected to disrupt CC2D2A protein function with a negative predictive value of 80%. In summary, the available evidence is currently insufficient to determine the role of this variant in disease. Therefore, it has been classified as a Variant of Uncertain Significance.

NM_001378615.1(CC2D2A):c.1247C>T (p.Thr416Ile)

Genes: CC2D2A (coiled-coil and C2 domain containing 2A; plus strand), FBXL5 (F-box and leucine rich repeat protein 5; minus strand). Cytogenetic location: 4p15.32.
Variant type: single nucleotide variant.
Coding change: c.1247C>T on transcript NM_001378615.1 (MANE Select); coding-DNA position 1247, C replaced by T.
Protein change: p.Thr416Ile; replaces threonine 416 with isoleucine.
Molecular consequence: missense variant.
Genome position (GRCh38, 1-based): chr4:15,527,544, C>T. VCF-style: chr4-15527544-C-T. GRCh37 (hg19) VCF-style: chr4-15529167-C-T.
Other names: c.1247C>T, p.Thr416Ile (NM_001080522.2); c.1100C>T, p.Thr367Ile (NM_001378617.1); short protein forms T367I, T416I.
Identifiers: ClinVar variation 1987708 (VCV001987708.3), dbSNP rs898835616, ClinGen allele CA92524406.